The following is an entry in ClinVar:

ClinVar aggregate classification (germline): Uncertain significance (1 of 4 stars; one submission).

Allele frequency attached by ClinVar (database versions not stated): gnomAD 0.00001; gnomAD exomes 0.00001; TOPMed 0.00003; ExAC 0.00007.
gnomAD v4.1: 24 of 1,614,008 alleles (0.0015%); highest among the groups gnomAD compares: Admixed American, 0.027%; no homozygotes.

Submission:

Labcorp Genetics (formerly Invitae), Labcorp
Classification: Uncertain significance. Last evaluated: 2026-01-05. Review status: criteria provided, single submitter. Criteria: Invitae Variant Classification Sherloc (09022015). Collection method: clinical testing. Allele origin: germline.
Comment: This sequence change replaces arginine, which is basic and polar, with glutamine, which is neutral and polar, at codon 876 of the KIF20A protein (p.Arg876Gln). This variant is present in population databases (rs756783534, gnomAD 0.04%). This variant has not been reported in the literature in individuals affected with KIF20A-related conditions. ClinVar contains an entry for this variant (Variation ID: 2039666). An algorithm developed to predict the effect of missense changes on protein structure and function (PolyPhen-2) suggests that this variant is likely to be disruptive. In summary, the available evidence is currently insufficient to determine the role of this variant in disease. Therefore, it has been classified as a Variant of Uncertain Significance.

NM_005733.3(KIF20A):c.2627G>A (p.Arg876Gln)

Gene: KIF20A (kinesin family member 20A; plus strand). Cytogenetic location: 5q31.2.
Variant type: single nucleotide variant.
Coding change: c.2627G>A on transcript NM_005733.3 (MANE Select); coding-DNA position 2627, G replaced by A.
Protein change: p.Arg876Gln; replaces arginine 876 with glutamine.
Molecular consequence: missense variant.
Genome position (GRCh38, 1-based): chr5:138,187,367, G>A. VCF-style: chr5-138187367-G-A. GRCh37 (hg19) VCF-style: chr5-137523056-G-A.
Other names: short protein forms R876Q.
Identifiers: ClinVar variation 2039666 (VCV002039666.4), dbSNP rs756783534, ClinGen allele CA3426950.
Genomic context (GRCh38, chr5:138,187,367, plus strand): 5'-GAACACCAACCTGCCAAAGCTCAACAGACTGCAGCCCTTATGCCCGGATCCTACGCTCAC[G>A]GCGTTCCCCTTTACTCAAATCTGGGCCTTTTGGCAAAAAGTACTAAGGCTGTGGGGAAAG-3'
Protein context (NP_005724.1, residues 866-886): CSPYARILRS[Arg876Gln]RSPLLKSGPF